The following is an entry in ClinVar:

ClinVar aggregate classification (germline): Conflicting classifications of pathogenicity. Review status: criteria provided, conflicting classifications (1 of 4 stars). 6 submissions from 6 submitters: Uncertain significance (1); Benign (1); Likely benign (4). Last evaluated 2026-03-01.

Conditions:
Intellectual disability, X-linked, with or without seizures, ARX-related. Also called: Mental retardation, X-linked 52; MENTAL RETARDATION, X-LINKED 29; MENTAL RETARDATION, X-LINKED 32; MENTAL RETARDATION, X-LINKED 33; MENTAL RETARDATION, X-LINKED 38; MENTAL RETARDATION, X-LINKED 43. Identifiers: Orphanet 777, MedGen C0796244, MONDO:0010317, OMIM 300419.
Developmental and epileptic encephalopathy, 1 (DEE1). Also called: INFANTILE SPASM SYNDROME, X-LINKED 1; X-linked infantile spasms; West's syndrome; Tonic spasms with clustering, arrest of psychomotor development and hypsarrhythmia on EEG; X-Linked Infantile Spasm Syndrome; Epileptic encephalopathy, early infantile, 1. Identifiers: MedGen C3463992, MONDO:0010632, OMIM 308350. Disease mechanism: loss of function.
History of neurodevelopmental disorder. Identifiers: MedGen C2711754.

gnomAD v4.1: 175 of 758,636 alleles (0.023%); highest among the groups gnomAD compares: East Asian, 0.1%; no homozygotes.

Submissions (6):

CeGaT Center for Human Genetics Tuebingen
Classification: Likely benign. Last evaluated: 2026-03-01. Review status: criteria provided, single submitter. Criteria: CeGaT Center For Human Genetics Tuebingen Variant Classification Criteria Version 2. Collection method: clinical testing. Allele origin: germline. Affected: yes. Observed: 3 variant alleles.
Comment: ARX: BP4, BP7, BS2

Labcorp Genetics (formerly Invitae), Labcorp
Classification: Likely benign for Developmental and epileptic encephalopathy, 1; Intellectual disability, X-linked, with or without seizures, ARX-related. Last evaluated: 2026-01-24. Review status: criteria provided, single submitter. Criteria: Invitae Variant Classification Sherloc (09022015). Collection method: clinical testing. Allele origin: germline.

Blueprint Genetics
Classification: Likely benign. Last evaluated: 2024-11-21. Review status: criteria provided, single submitter. Criteria: ACMG Guidelines, 2015. Collection method: clinical testing. Allele origin: germline.

Ambry Genetics
Classification: Likely benign for History of neurodevelopmental disorder. Last evaluated: 2017-10-26. Review status: criteria provided, single submitter. Criteria: Ambry Autosomal Dominant and X-Linked criteria (3/2017). Collection method: clinical testing. Allele origin: germline. Observed: 1 variant allele.
Comment: Synonymous alterations with insufficient evidence to classify as benign

GeneDx
Classification: Benign. Last evaluated: 2015-03-03. Review status: criteria provided, single submitter. Criteria: GeneDx Variant Classification Process June 2021. Collection method: clinical testing. Allele origin: germline. Affected: yes.

Genetic Services Laboratory, University of Chicago
Classification: Uncertain significance. Last evaluated: 2014-11-10. Review status: criteria provided, single submitter. Criteria: ACMG Guidelines, 2015. Collection method: clinical testing. Allele origin: germline.

NM_139058.3(ARX):c.441A>G (p.Ala147=)

Genes: ARX (aristaless related homeobox; minus strand), LOC109610631 (aristaless related homeobox polyalanine expansion region; plus strand). Cytogenetic location: Xp21.3.
Variant type: single nucleotide variant.
Coding change: c.441A>G on transcript NM_139058.3 (MANE Select); coding-DNA position 441, A replaced by G.
Protein change: p.Ala147=; no amino-acid change (alanine 147 retained).
Molecular consequence: synonymous variant.
Genome position (GRCh38, 1-based): chrX:25,013,554, T>C on the plus strand (A>G on the coding strand, the complement: ARX is on the minus strand). VCF-style: chrX-25013554-T-C. GRCh37 (hg19) VCF-style: chrX-25031671-T-C.
Identifiers: ClinVar variation 210333 (VCV000210333.45), dbSNP rs797045301, ClinGen allele CA208040.